The following is an entry in ClinVar:

ClinVar aggregate classification (germline): Uncertain significance (1 of 4 stars; one submission).

Conditions:
Werner syndrome (WRN). Identifiers: Orphanet 902, MedGen C0043119, MONDO:0010196, OMIM 277700.

Allele frequency attached by ClinVar (database versions not stated): gnomAD exomes below 0.00001.
gnomAD v4.1: 2 of 1,614,086 alleles (0.00012%); highest among the groups gnomAD compares: Non-Finnish European, 0.00017%; no homozygotes.

Submission:

Labcorp Genetics (formerly Invitae), Labcorp
Classification: Uncertain significance for Werner syndrome. Last evaluated: 2017-03-20. Review status: criteria provided, single submitter. Criteria: Invitae Variant Classification Sherloc (09022015). Collection method: clinical testing. Allele origin: germline.
Comment: This sequence change replaces glycine with valine at codon 988 of the WRN protein (p.Gly988Val). The glycine residue is highly conserved and there is a moderate physicochemical difference between glycine and valine. This variant is not present in population databases (ExAC no frequency) and has not been reported in the literature in individuals with a WRN-related disease. Algorithms developed to predict the effect of missense changes on protein structure and function (SIFT, PolyPhen-2, Align-GVGD) all suggest that this variant is likely to be disruptive, but these predictions have not been confirmed by published functional studies. In summary, this variant is a novel missense change with uncertain impact on protein function. It has been classified as a Variant of Uncertain Significance.

NM_000553.6(WRN):c.2963G>T (p.Gly988Val)

Gene: WRN (WRN RecQ like helicase; plus strand). Cytogenetic location: 8p12.
Variant type: single nucleotide variant.
Coding change: c.2963G>T on transcript NM_000553.6 (MANE Select); coding-DNA position 2963, G replaced by T.
Protein change: p.Gly988Val; replaces glycine 988 with valine.
Molecular consequence: missense variant.
Genome position (GRCh38, 1-based): chr8:31,132,502, G>T. VCF-style: chr8-31132502-G-T. GRCh37 (hg19) VCF-style: chr8-30990018-G-T.
Other names: short protein forms G988V.
Identifiers: ClinVar variation 458436 (VCV000458436.3), dbSNP rs1554530947, ClinGen allele CA370919286.